The following is an entry in ClinVar:

NM_001253697.2(ERBIN):c.3280A>T (p.Thr1094Ser)

Gene: ERBIN (erbb2 interacting protein; plus strand). Cytogenetic location: 5q12.3.
Variant type: single nucleotide variant.
Coding change: c.3280A>T on transcript NM_001253697.2 (MANE Select); coding-DNA position 3280, A replaced by T.
Protein change: p.Thr1094Ser; replaces threonine 1094 with serine.
Molecular consequence: missense variant.
Genome position (GRCh38, 1-based): chr5:66,054,598, A>T. VCF-style: chr5-66054598-A-T. GRCh37 (hg19) VCF-style: chr5-65350426-A-T.
Other names: c.3280A>T, p.Thr1094Ser (NM_001006600.3, NM_001253698.2, NM_001253699.2 and 1 more transcripts); c.3268A>T, p.Thr1090Ser (NM_001253701.2); short protein forms T1090S, T1094S.
Identifiers: ClinVar variation 2103967 (VCV002103967.4), dbSNP rs771578484, ClinGen allele CA359869476.

ClinVar aggregate classification (germline): Uncertain significance (1 of 4 stars; one submission).

Submission:

Labcorp Genetics (formerly Invitae), Labcorp
Classification: Uncertain significance. Last evaluated: 2024-10-14. Review status: criteria provided, single submitter. Criteria: Invitae Variant Classification Sherloc (09022015). Collection method: clinical testing. Allele origin: germline.
Comment: This sequence change replaces threonine, which is neutral and polar, with serine, which is neutral and polar, at codon 1094 of the ERBIN protein (p.Thr1094Ser). This variant is not present in population databases (gnomAD no frequency). This variant has not been reported in the literature in individuals affected with ERBIN-related conditions. ClinVar contains an entry for this variant (Variation ID: 2103967). An algorithm developed to predict the effect of missense changes on protein structure and function outputs the following: PolyPhen-2: "Benign". The serine amino acid residue is found in multiple mammalian species, which suggests that this missense change does not adversely affect protein function. In summary, the available evidence is currently insufficient to determine the role of this variant in disease. Therefore, it has been classified as a Variant of Uncertain Significance.